The following is an entry in ClinVar:

ClinVar aggregate classification (germline): Uncertain significance (1 of 4 stars; one submission).

Conditions:
Inborn genetic diseases. Identifiers: MedGen C0950123, MeSH D030342.

gnomAD v4.1: 14 of 1,614,080 alleles (0.00087%); highest among the groups gnomAD compares: Non-Finnish European, 0.0012%; no homozygotes.

Submission:

Ambry Genetics
Classification: Uncertain significance for Inborn genetic diseases. Last evaluated: 2025-12-22. Review status: criteria provided, single submitter. Criteria: Ambry Variant Classification Scheme 2023. Collection method: clinical testing. Allele origin: germline.
Comment: The p.L145V variant (also known as c.433T>G), located in coding exon 3 of the HAX1 gene, results from a T to G substitution at nucleotide position 433. The leucine at codon 145 is replaced by valine, an amino acid with highly similar properties. This amino acid position is conserved. In addition, this alteration is predicted to be tolerated by in silico analysis. Based on the available evidence, the clinical significance of this variant remains unclear.

NM_006118.4(HAX1):c.433T>G (p.Leu145Val)

Gene: HAX1 (HCLS1 associated protein X-1; plus strand). Cytogenetic location: 1q21.3.
Variant type: single nucleotide variant.
Coding change: c.433T>G on transcript NM_006118.4 (MANE Select); coding-DNA position 433, T replaced by G.
Protein change: p.Leu145Val; replaces leucine 145 with valine.
Molecular consequence: missense variant.
Genome position (GRCh38, 1-based): chr1:154,273,890, T>G. VCF-style: chr1-154273890-T-G. GRCh37 (hg19) VCF-style: chr1-154246366-T-G.
Other names: c.289T>G, p.Leu97Val (NM_001018837.2); short protein forms L97V, L145V.
Identifiers: ClinVar variation 4842731 (VCV004842731.1).